The following is an entry in ClinVar:

ClinVar aggregate classification (germline): Pathogenic. Review status: criteria provided, multiple submitters, no conflicts (2 of 4 stars). 3 submissions from 3 submitters: Pathogenic (3). Last evaluated 2020-10-04.

Conditions:
Gorlin syndrome. Also called: Nevoid Basal Cell Carcinoma Syndrome; Basal cell nevus syndrome. Identifiers: Orphanet 377, MedGen C0004779, MONDO:0007187.
PTCH1-related disorder. Also called: PTCH1-related disorders; PTCH1-related condition.

Submissions (3):

Labcorp Genetics (formerly Invitae), Labcorp
Classification: Pathogenic for Gorlin syndrome. Last evaluated: 2020-10-04. Review status: criteria provided, single submitter. Criteria: Invitae Variant Classification Sherloc (09022015). Collection method: clinical testing. Allele origin: germline.
Comment: For these reasons, this variant has been classified as Pathogenic. Truncating variants in PTCH1 are known to be pathogenic. This particular truncation has been reported to segregate with Gorlin syndrome in a single family (PMID: 15459969). It was seen in 4 family members, with phenotypes of nevoid basal cell carcinoma, jaw cysts, and eye anomalies. This sequence change deletes 1 nucleotide from exon 12 of the PTCH1 mRNA (c.1615delG), causing a frameshift at codon 539. This creates a premature translational stop signal (p.Glu539Serfs*3) and is expected to result in an absent or disrupted protein product.

Blueprint Genetics
Classification: Pathogenic for PTCH1-related disorders. Last evaluated: 2020-09-24. Review status: criteria provided, single submitter. Criteria: ACMG Guidelines, 2015. Collection method: clinical testing. Allele origin: germline. Affected: yes. Observed: 1 variant allele.

Center for Pediatric Genomic Medicine, Children's Mercy Hospital and Clinics
Classification: Pathogenic. Last evaluated: 2016-08-19. Review status: criteria provided, single submitter. Criteria: ACMG Guidelines, 2015. Collection method: clinical testing. Allele origin: germline.

Literature cited by the submitters: PubMed 15459969 (cited by Labcorp Genetics (formerly Invitae), Labcorp).

NM_000264.5(PTCH1):c.1615del (p.Glu539fs)

Gene: PTCH1 (patched 1; minus strand). Cytogenetic location: 9q22.32.
Variant type: Deletion.
Coding change: c.1615del on transcript NM_000264.5 (MANE Select); coding-DNA position 1615, one base deleted (G; older notation c.1615delG).
Protein change: p.Glu539fs; shifts the reading frame from glutamic acid 539.
Molecular consequence: frameshift variant. On other transcripts: non-coding transcript variant (1).
Genome position (GRCh38, 1-based): chr9:95,476,147, C deleted on the plus strand (G on the coding strand, the reverse complement: PTCH1 is on the minus strand); the first of 4 consecutive C bases (chr9:95,476,147-95,476,150); deleting any one gives the same sequence. VCF-style (leftmost placement, unchanged base first): chr9-95476146-TC-T. GRCh37 (hg19) VCF-style: chr9-98238428-TC-T.
Other names: c.1417del, p.Glu473fs (NM_001083602.3); c.1612del, p.Glu538fs (NM_001083603.3); c.1162del, p.Glu388fs (NM_001083604.3, NM_001083605.3, NM_001083606.3 and 1 more transcripts); c.1459del, p.Glu487fs (NM_001354918.2); short protein forms E388fs, E487fs, E473fs, E538fs, E539fs.
Identifiers: ClinVar variation 237457 (VCV000237457.11), dbSNP rs878853847, ClinGen allele CA10582682.
Genomic context (GRCh38, chr9:95,476,146, plus strand): 5'-AAGGCTGTGACATTGCTGATGGACGTGAGGGCCACGCTGGCTCCTGTGCGCTTCAGGCAC[TC>T]CCCGGTCCTGTCCTGGGAATAAAAAAACACAGCGCTGAGAGCTGCACTGGACATGGTCCC-3'